The following is an entry in ClinVar:

NM_004655.4(AXIN2):c.1550A>C (p.His517Pro)

Gene: AXIN2 (axin 2; minus strand). Cytogenetic location: 17q24.1.
Variant type: single nucleotide variant.
Coding change: c.1550A>C on transcript NM_004655.4 (MANE Select); coding-DNA position 1550, A replaced by C.
Protein change: p.His517Pro; replaces histidine 517 with proline.
Molecular consequence: missense variant.
Genome position (GRCh38, 1-based): chr17:65,537,486, T>G on the plus strand (A>C on the coding strand, the complement: AXIN2 is on the minus strand). VCF-style: chr17-65537486-T-G. GRCh37 (hg19) VCF-style: chr17-63533604-T-G.
Other names: c.1550A>C, p.His517Pro (NM_001363813.1); short protein forms H517P.
Identifiers: ClinVar variation 1775037 (VCV001775037.2), dbSNP rs769644525, ClinGen allele CA400677282.

ClinVar aggregate classification (germline): Uncertain significance (1 of 4 stars; one submission).

Conditions:
Hereditary cancer-predisposing syndrome. Also called: Hereditary Cancer Syndrome; Hereditary neoplastic syndrome; Neoplastic Syndromes, Hereditary; Tumor predisposition. Identifiers: Orphanet 140162, MedGen C0027672, MeSH D009386, MONDO:0015356.

Submission:

Ambry Genetics
Classification: Uncertain significance for Hereditary cancer-predisposing syndrome. Last evaluated: 2021-12-11. Review status: criteria provided, single submitter. Criteria: Ambry Variant Classification Scheme 2023. Collection method: clinical testing. Allele origin: germline.
Comment: The p.H517P variant (also known as c.1550A>C), located in coding exon 5 of the AXIN2 gene, results from an A to C substitution at nucleotide position 1550. The histidine at codon 517 is replaced by proline, an amino acid with similar properties. This amino acid position is conserved. In addition, this alteration is predicted to be deleterious by in silico analysis. Since supporting evidence is limited at this time, the clinical significance of this alteration remains unclear.